The following is an entry in ClinVar:

ClinVar aggregate classification (germline): Uncertain significance. Review status: criteria provided, multiple submitters, no conflicts (2 of 4 stars). 5 submissions from 3 submitters: Uncertain significance (5). Last evaluated 2026-10-08.

Conditions:
Charcot-Marie-Tooth disease axonal type 2X. Also called: CHARCOT-MARIE-TOOTH DISEASE, AXONAL, AUTOSOMAL RECESSIVE, TYPE 2X; CHARCOT-MARIE-TOOTH NEUROPATHY, TYPE 2X. Identifiers: Orphanet 466775, MedGen C5569024, MONDO:0014726, OMIM 616668.
Amyotrophic lateral sclerosis type 5 (ALS5). Also called: AMYOTROPHIC LATERAL SCLEROSIS 5, JUVENILE. Identifiers: Orphanet 300605, MedGen C1865864, MONDO:0011196, OMIM 602099.
Hereditary spastic paraplegia 11. Also called: SPASTIC PARAPLEGIA, AUTOSOMAL RECESSIVE, COMPLICATED, WITH THIN CORPUS CALLOSUM; SPASTIC PARAPLEGIA, AUTOSOMAL RECESSIVE, WITH MENTAL IMPAIRMENT AND THIN CORPUS CALLOSUM; Spastic Paraplegia 11; Spastic paraplegia, mental retardation and thin corpus callosum; Autosomal recessive hereditary spastic paraplegia, mental impairment, and thin corpus callosum; Nakamura Osame syndrome. Identifiers: Orphanet 2822, MedGen C1858479, MONDO:0011445, OMIM 604360.

Allele frequency attached by ClinVar (database versions not stated): TOPMed 0.00001; ExAC 0.00001; gnomAD 0.00001.
gnomAD v4.1: 23 of 1,614,008 alleles (0.0014%); highest among the groups gnomAD compares: Middle Eastern, 0.016%; no homozygotes.

Submissions (5):

GeneDx
Classification: Uncertain significance. Last evaluated: 2026-10-08. Review status: criteria provided, single submitter. Criteria: GeneDx Variant Classification Process June 2021. Collection method: clinical testing. Allele origin: germline.
Comment: Has not been previously published as pathogenic or benign to our knowledge; Not observed at significant frequency in large population cohorts (gnomAD); In silico analysis suggests that this missense variant does not alter protein structure/function; In silico analysis suggests this variant may impact gene splicing. In the absence of RNA/functional studies, the actual effect of this sequence change is unknown.

Labcorp Genetics (formerly Invitae), Labcorp
Classification: Uncertain significance for Hereditary spastic paraplegia 11. Last evaluated: 2022-07-17. Review status: criteria provided, single submitter. Criteria: Invitae Variant Classification Sherloc (09022015). Collection method: clinical testing. Allele origin: germline.
Comment: This sequence change replaces arginine, which is basic and polar, with tryptophan, which is neutral and slightly polar, at codon 2059 of the SPG11 protein (p.Arg2059Trp). This variant is present in population databases (rs755438310, gnomAD 0.002%). This variant has not been reported in the literature in individuals affected with SPG11-related conditions. ClinVar contains an entry for this variant (Variation ID: 954367). Algorithms developed to predict the effect of missense changes on protein structure and function are either unavailable or do not agree on the potential impact of this missense change (SIFT: "Deleterious"; PolyPhen-2: "Benign"; Align-GVGD: "Class C15"). Algorithms developed to predict the effect of sequence changes on RNA splicing suggest that this variant may create or strengthen a splice site. In summary, the available evidence is currently insufficient to determine the role of this variant in disease. Therefore, it has been classified as a Variant of Uncertain Significance.

Genome-Nilou Lab
Classification: Uncertain significance for Amyotrophic lateral sclerosis type 5. Review status: criteria provided, single submitter. Criteria: ACMG Guidelines, 2015. Collection method: clinical testing. Allele origin: germline.

Genome-Nilou Lab
Classification: Uncertain significance for Charcot-Marie-Tooth disease axonal type 2X. Review status: criteria provided, single submitter. Criteria: ACMG Guidelines, 2015. Collection method: clinical testing. Allele origin: germline.

Genome-Nilou Lab
Classification: Uncertain significance for Hereditary spastic paraplegia 11. Review status: criteria provided, single submitter. Criteria: ACMG Guidelines, 2015. Collection method: clinical testing. Allele origin: germline.

NM_025137.4(SPG11):c.6175C>T (p.Arg2059Trp)

Gene: SPG11 (SPG11 vesicle trafficking associated, spatacsin; minus strand). Cytogenetic location: 15q21.1.
Variant type: single nucleotide variant.
Coding change: c.6175C>T on transcript NM_025137.4 (MANE Select); coding-DNA position 6175, C replaced by T.
Protein change: p.Arg2059Trp; replaces arginine 2059 with tryptophan.
Molecular consequence: missense variant. On other transcripts: intron variant (1).
Genome position (GRCh38, 1-based): chr15:44,573,577, G>A on the plus strand (C>T on the coding strand, the complement: SPG11 is on the minus strand). VCF-style: chr15-44573577-G-A. GRCh37 (hg19) VCF-style: chr15-44865775-G-A.
Other names: c.5867-757C>T (NM_001160227.2); short protein forms R2059W.
Identifiers: ClinVar variation 954367 (VCV000954367.8), dbSNP rs755438310, ClinGen allele CA7534249.